The following is an entry in ClinVar:

ClinVar aggregate classification (germline): Likely pathogenic (1 of 4 stars; one submission).

Conditions:
Bethlem myopathy 1A. Also called: Bethlem Muscular Dystrophy; MYOPATHY, BENIGN CONGENITAL, WITH CONTRACTURES; Bethlem myopathy 1. Identifiers: Orphanet 610, MedGen CN029274, MONDO:0024530, OMIM 158810.

Submission:

3billion
Classification: Likely pathogenic for Bethlem myopathy 1A. Last evaluated: 2023-08-21. Review status: criteria provided, single submitter. Criteria: ACMG Guidelines, 2015. Collection method: clinical testing. Allele origin: germline. Affected: yes.
Comment: The variant is not observed in the gnomAD v2.1.1 dataset. Predicted Consequence/Location: Inframe insertion variant (CTG repeat expansion) over pathogenic range (50). Therefore, the variant is classified as likely pathogenic according to the recommendation of ACMG/AMP guideline.

NM_004409.5(DMPK):c.281CAG[81] (p.Thr93_Gly94insAlaAlaAlaAlaAlaAlaAlaAlaAlaAlaAlaAlaAlaAlaAlaAlaAlaAlaAlaAlaAlaAlaAlaAlaAlaAlaAlaAlaAlaAlaAlaAlaAlaAlaAlaAlaAlaAlaAlaAlaAlaAlaAlaAlaAlaAlaAlaAlaAlaAlaAlaAlaAlaAlaAlaAlaAlaAlaAlaAlaAlaAlaAlaAlaAlaAlaAlaAlaAlaAlaAlaAlaAlaAlaAlaAlaAlaAlaAlaAlaAla)

Gene: DMPK (DM1 protein kinase; minus strand). Cytogenetic location: 19q13.32.
Variant type: Microsatellite.
Coding change: c.281CAG[81] on transcript NM_004409.5 (MANE Select); 81 copies in a row of the 3-base unit CAG starting at c.281.
Protein change: p.Thr93_Gly94insAlaAlaAlaAlaAlaAlaAlaAlaAlaAlaAlaAlaAlaAlaAlaAlaAlaAlaAlaAlaAlaAlaAlaAlaAlaAlaAlaAlaAlaAlaAlaAlaAlaAlaAlaAlaAlaAlaAlaAlaAlaAlaAlaAlaAlaAlaAlaAlaAlaAlaAlaAlaAlaAlaAlaAlaAlaAlaAlaAlaAlaAlaAlaAlaAlaAlaAlaAlaAlaAlaAlaAlaAlaAlaAlaAlaAlaAlaAlaAlaAla.
Molecular consequence: inframe insertion. On other transcripts: 5 prime UTR variant (1).
Genome position: GRCh38, VCF-style position (the base before the change): chr19:45,779,494. GRCh37 (hg19), VCF-style position (the base before the change): chr19:46,282,752.
Other names: c.281CAG[81], p.Thr93_Gly94insAlaAlaAlaAlaAlaAlaAlaAlaAlaAlaAlaAlaAlaAlaAlaAlaAlaAlaAlaAlaAlaAlaAlaAlaAlaAlaAlaAlaAlaAlaAlaAlaAlaAlaAlaAlaAlaAlaAlaAlaAlaAlaAlaAlaAlaAlaAlaAlaAlaAlaAlaAlaAlaAlaAlaAlaAlaAlaAlaAlaAlaAlaAlaAlaAlaAlaAlaAlaAlaAlaAlaAlaAlaAlaAlaAlaAlaAlaAlaAlaAla (NM_001081560.3, NM_001081562.3, NM_001288766.2 and 5 more transcripts); c.311CAG[81], p.Thr103_Gly104insAlaAlaAlaAlaAlaAlaAlaAlaAlaAlaAlaAlaAlaAlaAlaAlaAlaAlaAlaAlaAlaAlaAlaAlaAlaAlaAlaAlaAlaAlaAlaAlaAlaAlaAlaAlaAlaAlaAlaAlaAlaAlaAlaAlaAlaAlaAlaAlaAlaAlaAlaAlaAlaAlaAlaAlaAlaAlaAlaAlaAlaAlaAlaAlaAlaAlaAlaAlaAlaAlaAlaAlaAlaAlaAlaAlaAlaAlaAlaAlaAla (NM_001081563.3); c.359CAG[81], p.Thr119_Gly120insAlaAlaAlaAlaAlaAlaAlaAlaAlaAlaAlaAlaAlaAlaAlaAlaAlaAlaAlaAlaAlaAlaAlaAlaAlaAlaAlaAlaAlaAlaAlaAlaAlaAlaAlaAlaAlaAlaAlaAlaAlaAlaAlaAlaAlaAlaAlaAlaAlaAlaAlaAlaAlaAlaAlaAlaAlaAlaAlaAlaAlaAlaAlaAlaAlaAlaAlaAlaAlaAlaAlaAlaAlaAlaAlaAlaAlaAlaAlaAlaAla (NM_001288764.2, NM_001424163.1); c.14CAG[81], p.Thr4_Gly5insAlaAlaAlaAlaAlaAlaAlaAlaAlaAlaAlaAlaAlaAlaAlaAlaAlaAlaAlaAlaAlaAlaAlaAlaAlaAlaAlaAlaAlaAlaAlaAlaAlaAlaAlaAlaAlaAlaAlaAlaAlaAlaAlaAlaAlaAlaAlaAlaAlaAlaAlaAlaAlaAlaAlaAlaAlaAlaAlaAlaAlaAlaAlaAlaAlaAlaAlaAlaAlaAlaAlaAlaAlaAlaAlaAlaAlaAlaAlaAlaAla (NM_001288765.2); c.-210CAG[81] (NM_001424166.1).
Identifiers: ClinVar variation 3775836 (VCV003775836.1).